The following continues an entry in ClinVar:

NM_001429.4(EP300):c.4783T>G (p.Phe1595Val)

Gene: EP300. ClinVar aggregate classification (germline): Pathogenic/Likely pathogenic. Pathogenic (10); Likely pathogenic (2).

Submissions 10 to 17 of 17:

CENTOGENE GmbH and LLC - Guiding Precision Medicine
Classification: Pathogenic for Rubinstein-Taybi syndrome due to EP300 haploinsufficiency. Last evaluated: 2019-06-21. Review status: criteria provided, single submitter. Criteria: ACMG Guidelines, 2015. Collection method: clinical testing. Allele origin: germline. Affected: yes.

Ambry Genetics
Classification: Likely pathogenic for Inborn genetic diseases. Last evaluated: 2017-10-02. Review status: criteria provided, single submitter. Criteria: Ambry exome assertion method (8-5-2015). Collection method: clinical testing. Allele origin: germline. Affected: yes. Observed: 1 variant allele.

GeneDx
Classification: Pathogenic. Last evaluated: 2016-12-09. Review status: criteria provided, single submitter. Criteria: GeneDx Variant Classification (06012015). Collection method: clinical testing. Allele origin: germline. Affected: yes.
Comment: A pathogenic variant has been identified in the EP300 gene. The F1595V variant has been identified as a de novo variant with confirmed parentage in multiple unrelated individuals with developmental delay and dysmorphic features who were previously tested at GeneDx. This variant is not observed in large population cohorts (Lek et al., 2016; 1000 Genomes Consortium et al., 2015; Exome Variant Server). The F1595V variant is a semi-conservative amino acid substitution, which may impact secondary protein structure as these residues differ in some properties. This substitution occurs at a position that is conserved across species, and in silico analysis predicts the F1595V variant is probably damaging to the protein structure/function. Therefore, the presence of this pathogenic variant is consistent with a diagnosis of Rubinstein-Taybi syndrome

OMIM
Classification: Pathogenic for RUBINSTEIN-TAYBI SYNDROME 2. Last evaluated: 2019-02-26. Review status: no assertion criteria provided. Collection method: literature only. Allele origin: germline. Not counted in ClinVar's aggregate classification.

Molecular Genetics Laboratory, BC Children's and BC Women's Hospitals
Classification: Pathogenic for Rubinstein-Taybi syndrome due to EP300 haploinsufficiency. Last evaluated: 2017-12-11. Review status: no assertion criteria provided. Criteria: ACMG Guidelines, 2015. Collection method: clinical testing. Allele origin: de novo. Affected: yes. Not counted in ClinVar's aggregate classification.

Costain lab, The Hospital for Sick Children
No classification provided. Condition: Multiple congenital anomalies. Review status: no classification provided. Collection method: clinical testing. Allele origin: de novo. Affected: yes. Observed: 1 variant allele, 1 heterozygote. Not counted in ClinVar's aggregate classification.

Diagnostic Laboratory, Department of Genetics, University Medical Center Groningen
Classification: Likely pathogenic. Review status: no assertion criteria provided. Collection method: clinical testing. Allele origin: germline. Affected: yes. Study: VKGL Data-share Consensus. Not counted in ClinVar's aggregate classification.

Joint Genome Diagnostic Labs from Nijmegen and Maastricht, Radboudumc and MUMC+
Classification: Likely pathogenic. Review status: no assertion criteria provided. Collection method: clinical testing. Allele origin: germline. Affected: yes. Study: VKGL Data-share Consensus. Not counted in ClinVar's aggregate classification.

Literature cited by the submitters: PubMed 26633542 (cited by 3billion and Molecular Genetics, Royal Melbourne Hospital); PubMed 27465822 (cited by 5 submitters); PubMed 29133209 (cited by 3 submitters); PubMed 36973392 (cited by Molecular Genetics, Royal Melbourne Hospital); PubMed 20301699 (cited by Victorian Clinical Genetics Services, Murdoch Childrens Research Institute); PubMed 24381114 (cited by Victorian Clinical Genetics Services, Murdoch Childrens Research Institute); PubMed 29460469 (cited by Victorian Clinical Genetics Services, Murdoch Childrens Research Institute); PubMed 24352918 (cited by Ambry Genetics); PubMed 18792986 (cited by Ambry Genetics); PubMed 21679367 (cited by OMIM).